The following is an entry in ClinVar:

ClinVar aggregate classification (germline): Likely benign. Review status: criteria provided, multiple submitters, no conflicts (2 of 4 stars). 2 submissions from 2 submitters: Likely benign (2). Last evaluated 2024-07-10.

gnomAD v4.1: 8 of 1,613,922 alleles (0.0005%); highest among the groups gnomAD compares: East Asian, 0.0022%; no homozygotes.

Submissions (2):

Blueprint Genetics
Classification: Likely benign. Last evaluated: 2024-07-10. Review status: criteria provided, single submitter. Criteria: ACMG Guidelines, 2015. Collection method: clinical testing. Allele origin: germline.

CeGaT Center for Human Genetics Tuebingen
Classification: Likely benign. Last evaluated: 2022-12-01. Review status: criteria provided, single submitter. Criteria: CeGaT Center For Human Genetics Tuebingen Variant Classification Criteria Version 2. Collection method: clinical testing. Allele origin: germline. Affected: yes. Observed: 1 variant allele.
Comment: HCN1: BP4, BP7

NM_021072.4(HCN1):c.2427C>A (p.Gly809=)

Gene: HCN1 (hyperpolarization activated cyclic nucleotide gated potassium channel 1; minus strand). Cytogenetic location: 5p12.
Variant type: single nucleotide variant.
Coding change: c.2427C>A on transcript NM_021072.4 (MANE Select); coding-DNA position 2427, C replaced by A.
Protein change: p.Gly809=; no amino-acid change (glycine 809 retained).
Molecular consequence: synonymous variant.
Genome position (GRCh38, 1-based): chr5:45,262,167, G>T on the plus strand (C>A on the coding strand, the complement: HCN1 is on the minus strand). VCF-style: chr5-45262167-G-T. GRCh37 (hg19) VCF-style: chr5-45262269-G-T.
Identifiers: ClinVar variation 2655454 (VCV002655454.25), dbSNP rs774013410, ClinGen allele CA444401254.